The following is an entry in ClinVar:

ClinVar aggregate classification (germline): Uncertain significance (1 of 4 stars; one submission).

Conditions:
Emery-Dreifuss muscular dystrophy 4, autosomal dominant (EDMD4). Also called: EMERY-DREIFUSS MUSCULAR DYSTROPHY 4 WITH VARIABLE FEATURES. Identifiers: Orphanet 261, MedGen C2751807, MONDO:0013071, OMIM 612998.
Autosomal recessive ataxia, Beauce type. Also called: Spinocerebellar ataxia, autosomal recessive 8; ATAXIA, RECESSIVE, OF BEAUCE; SYNE1 Deficiency; SYNE1-Related Autosomal Recessive Cerebellar Ataxia. Identifiers: Orphanet 88644, MedGen C1853116, MONDO:0012549, OMIM 610743.

Submission:

Labcorp Genetics (formerly Invitae), Labcorp
Classification: Uncertain significance for Emery-Dreifuss muscular dystrophy 4, autosomal dominant; Autosomal recessive ataxia, Beauce type. Last evaluated: 2022-08-23. Review status: criteria provided, single submitter. Criteria: Invitae Variant Classification Sherloc (09022015). Collection method: clinical testing. Allele origin: germline.
Comment: This variant, c.18382_18384del, results in the deletion of 1 amino acid(s) of the SYNE1 protein (p.Glu6128del), but otherwise preserves the integrity of the reading frame. This variant is present in population databases (rs771543751, gnomAD 0.006%). This variant has not been reported in the literature in individuals affected with SYNE1-related conditions. Experimental studies and prediction algorithms are not available or were not evaluated, and the functional significance of this variant is currently unknown. In summary, the available evidence is currently insufficient to determine the role of this variant in disease. Therefore, it has been classified as a Variant of Uncertain Significance.

NM_182961.4(SYNE1):c.18592GAG[1] (p.Glu6199del)

Gene: SYNE1 (spectrin repeat containing nuclear envelope protein 1; minus strand). Cytogenetic location: 6q25.2.
Variant type: Microsatellite.
Coding change: c.18592GAG[1] on transcript NM_182961.4 (MANE Select); one copy of the 3-base unit GAG starting at c.18592; the reference has two copies in a row; one copy, 3 bases deleted.
Protein change: p.Glu6199del; deletes glutamic acid 6199.
Molecular consequence: inframe deletion.
Genome position (GRCh38, 1-based): chr6:152,269,263-152,269,265, CTC deleted on the plus strand (GAG on the coding strand, the reverse complement: SYNE1 is on the minus strand); deleting any 3 consecutive bases within chr6:152,269,263-152,269,270 gives the same sequence; the position shown is the placement nearest the transcript's 3' end. VCF-style (leftmost placement, unchanged base first): chr6-152269262-TCTC-T. GRCh37 (hg19) VCF-style: chr6-152590397-TCTC-T.
Other names: c.18379GAG[1], p.Glu6128del (NM_033071.5); short protein forms E6199del, E6128del.
Identifiers: ClinVar variation 1524979 (VCV001524979.3), dbSNP rs771543751, ClinGen allele CA4054916.